The following is an entry in ClinVar:

ClinVar aggregate classification (germline): Uncertain significance. Review status: criteria provided, multiple submitters, no conflicts (2 of 4 stars). 4 submissions from 4 submitters: Uncertain significance (3). 1 of the submissions does not count toward it. Last evaluated 2025-08-30.

Conditions:
Inborn genetic diseases. Identifiers: MedGen C0950123, MeSH D030342.
Usher syndrome type 1F (USH1F). Also called: USHER SYNDROME, TYPE IF. Identifiers: Orphanet 231169, Orphanet 886, MedGen C1865885, MONDO:0011186, OMIM 602083.

Allele frequency attached by ClinVar (database versions not stated): gnomAD 0.00001; ExAC 0.00002; gnomAD exomes 0.00002 and 0.00004; TOPMed 0.00004.
gnomAD v4.1: 64 of 1,613,854 alleles (0.004%); highest among the groups gnomAD compares: Admixed American, 0.005%; no homozygotes.

Submissions (4):

Ambry Genetics
Classification: Uncertain significance for Inborn genetic diseases. Last evaluated: 2025-08-30. Review status: criteria provided, single submitter. Criteria: Ambry Variant Classification Scheme 2023. Collection method: clinical testing. Allele origin: germline.

Blueprint Genetics
Classification: Uncertain significance. Last evaluated: 2024-09-02. Review status: criteria provided, single submitter. Criteria: ACMG Guidelines, 2015. Collection method: clinical testing. Allele origin: germline.

Labcorp Genetics (formerly Invitae), Labcorp
Classification: Uncertain significance. Last evaluated: 2022-10-24. Review status: criteria provided, single submitter. Criteria: Invitae Variant Classification Sherloc (09022015). Collection method: clinical testing. Allele origin: germline.
Comment: This sequence change replaces aspartic acid, which is acidic and polar, with glycine, which is neutral and non-polar, at codon 783 of the PCDH15 protein (p.Asp783Gly). This variant is present in population databases (rs765443935, gnomAD 0.003%). This variant has not been reported in the literature in individuals affected with PCDH15-related conditions. ClinVar contains an entry for this variant (Variation ID: 946038). Advanced modeling of protein sequence and biophysical properties (such as structural, functional, and spatial information, amino acid conservation, physicochemical variation, residue mobility, and thermodynamic stability) performed at Invitae indicates that this missense variant is not expected to disrupt PCDH15 protein function. In summary, the available evidence is currently insufficient to determine the role of this variant in disease. Therefore, it has been classified as a Variant of Uncertain Significance.

Natera, Inc.
Classification: Uncertain significance for Usher syndrome type 1F. Last evaluated: 2020-03-11. Review status: no assertion criteria provided. Collection method: clinical testing. Allele origin: germline. Not counted in ClinVar's aggregate classification.

NM_001384140.1(PCDH15):c.2348A>G (p.Asp783Gly)

Gene: PCDH15 (protocadherin related 15; minus strand). Cytogenetic location: 10q21.1.
Variant type: single nucleotide variant.
Coding change: c.2348A>G on transcript NM_001384140.1 (MANE Select); coding-DNA position 2348, A replaced by G.
Protein change: p.Asp783Gly; replaces aspartic acid 783 with glycine.
Molecular consequence: missense variant.
Genome position (GRCh38, 1-based): chr10:54,023,070, T>C on the plus strand (A>G on the coding strand, the complement: PCDH15 is on the minus strand). VCF-style: chr10-54023070-T-C. GRCh37 (hg19) VCF-style: chr10-55782830-T-C.
Other names: c.2363A>G, p.Asp788Gly (NM_001142763.2, NM_001142771.2); c.2348A>G, p.Asp783Gly (NM_001142764.2, NM_001142766.2, NM_001142770.3 and 5 more transcripts); c.2135A>G, p.Asp712Gly (NM_001142765.2); c.2237A>G, p.Asp746Gly (NM_001142767.2); c.2282A>G, p.Asp761Gly (NM_001142768.2, NM_001142773.2, NM_001354404.2); c.2384A>G, p.Asp795Gly (NM_001142769.4); c.2369A>G, p.Asp790Gly (NM_001354411.2); short protein forms D712G, D783G, D790G, D795G, D746G, D761G, D788G.
Identifiers: ClinVar variation 946038 (VCV000946038.9), dbSNP rs765443935, ClinGen allele CA5506048.
Genomic context (GRCh38, chr10:54,023,070, plus strand): 5'-AGAGTTGAATGACGAGGGTGTACTGCTCCATCTGTTGCCACAACAACAAGTTCATAGTAG[T>C]CCCTGACTTCTCTGTTAAGCTTCACTGCTGTGTAAATGCTCCCATTGGATGTGATACGAA-3'
Protein context (NP_001371069.1, residues 773-793): TAVKLNREVR[Asp783Gly]YYELVVVATD